The following is an entry in ClinVar:

NM_004519.4(KCNQ3):c.2079G>A (p.Pro693=)

Gene: KCNQ3 (potassium voltage-gated channel subfamily Q member 3; minus strand). Cytogenetic location: 8q24.22.
Variant type: single nucleotide variant.
Coding change: c.2079G>A on transcript NM_004519.4 (MANE Select); coding-DNA position 2079, G replaced by A.
Protein change: p.Pro693=; no amino-acid change (proline 693 retained).
Molecular consequence: synonymous variant.
Genome position (GRCh38, 1-based): chr8:132,129,802, C>T on the plus strand (G>A on the coding strand, the complement: KCNQ3 is on the minus strand). VCF-style: chr8-132129802-C-T. GRCh37 (hg19) VCF-style: chr8-133142049-C-T.
Other names: c.1719G>A, p.Pro573= (NM_001204824.2).
Identifiers: ClinVar variation 239950 (VCV000239950.32), dbSNP rs145204452, ClinGen allele CA4880507.

ClinVar aggregate classification (germline): Benign/Likely benign. Review status: criteria provided, multiple submitters, no conflicts (2 of 4 stars). 4 submissions from 4 submitters: Benign (1); Likely benign (3). Last evaluated 2026-01-07.

Conditions:
Benign neonatal seizures. Also called: Convulsions benign familial neonatal dominant form; Autosomal dominant form of benign neonatal seizures; Benign familial neonatal seizures; Benign neonatal familial convulsions; Benign familial neonatal epilepsy. Identifiers: Orphanet 1949, MedGen C0220669, MONDO:0016027.
Seizures, benign familial neonatal, 2. Also called: Benign Neonatal Epilepsy 2; CONVULSIONS, BENIGN FAMILIAL NEONATAL, 2; KCNQ3-Related Benign Familial Neonatal Epilepsy; Seizures, benign neonatal, 2; KCNQ3-Related Self-Limited Familial Neonatal Epilepsy (SLFNE). Identifiers: Orphanet 1949, MedGen C1852581, MONDO:0007366, OMIM 121201.

Allele frequency attached by ClinVar (database versions not stated): gnomAD 0.00003 and 0.00006; gnomAD exomes 0.00006 and 0.00008; ExAC 0.00007; TOPMed 0.00008; ESP Exome Variant Server 0.00015.
gnomAD v4.1: 95 of 1,614,108 alleles (0.0059%); highest among the groups gnomAD compares: Middle Eastern, 0.049%; no homozygotes.

Submissions (4):

Labcorp Genetics (formerly Invitae), Labcorp
Classification: Likely benign for Benign neonatal seizures. Last evaluated: 2026-01-07. Review status: criteria provided, single submitter. Criteria: Invitae Variant Classification Sherloc (09022015). Collection method: clinical testing. Allele origin: germline.

CeGaT Center for Human Genetics Tuebingen
Classification: Likely benign. Last evaluated: 2024-12-01. Review status: criteria provided, single submitter. Criteria: CeGaT Center For Human Genetics Tuebingen Variant Classification Criteria Version 2. Collection method: clinical testing. Allele origin: germline. Affected: yes. Observed: 1 variant allele.
Comment: KCNQ3: BP4, BP7

GeneDx
Classification: Likely benign. Last evaluated: 2021-03-25. Review status: criteria provided, single submitter. Criteria: GeneDx Variant Classification Process June 2021. Collection method: clinical testing. Allele origin: germline. Affected: yes.

Illumina Laboratory Services, Illumina
Classification: Benign for Seizures, benign familial neonatal, 2. Last evaluated: 2018-01-12. Review status: criteria provided, single submitter. Criteria: ICSL Variant Classification Criteria 13 December 2019. Collection method: clinical testing. Allele origin: germline.
Comment: This variant was observed in the ICSL laboratory as part of a predisposition screen in an ostensibly healthy population. It had not been previously curated by ICSL or reported in the Human Gene Mutation Database (HGMD: prior to June 1st, 2018), and was therefore a candidate for classification through an automated scoring system. Utilizing variant allele frequency, disease prevalence and penetrance estimates, and inheritance mode, an automated score was calculated to assess if this variant is too frequent to cause the disease. Based on the score and internal cut-off values, a variant classified as benign is not then subjected to further curation. The score for this variant resulted in a classification of benign for this disease.